The following is an entry in ClinVar:

ClinVar aggregate classification (germline): Uncertain significance. Review status: criteria provided, multiple submitters, no conflicts (2 of 4 stars). 2 submissions from 2 submitters: Uncertain significance (2). Last evaluated 2025-09-10.

Conditions:
Hydrocephalus, nonsyndromic, autosomal recessive 1 (HYC1). Also called: Hydrocephalus, nonsyndromic, autosomal recessive; Congenital hydrocephalus 1. Identifiers: Orphanet 2185, MedGen C3887608, MONDO:0009360, OMIM 236600.

Allele frequency attached by ClinVar (database versions not stated): ExAC 0.00001; gnomAD exomes 0.00001 and 0.00003; gnomAD 0.00003; TOPMed 0.00003.
gnomAD v4.1: 25 of 1,613,782 alleles (0.0015%); highest among the groups gnomAD compares: East Asian, 0.0067%; no homozygotes.

Submissions (2):

Genomic Medicine Center of Excellence, King Faisal Specialist Hospital and Research Centre
Classification: Uncertain significance for Hydrocephalus, nonsyndromic, autosomal recessive 1. Last evaluated: 2025-09-10. Review status: criteria provided, single submitter. Criteria: ACMG Guidelines, 2015. Collection method: clinical testing. Allele origin: germline.

Labcorp Genetics (formerly Invitae), Labcorp
Classification: Uncertain significance. Last evaluated: 2021-11-04. Review status: criteria provided, single submitter. Criteria: Invitae Variant Classification Sherloc (09022015). Collection method: clinical testing. Allele origin: germline.
Comment: This sequence change affects codon 227 of the DNAJC17 mRNA. It is a 'silent' change, meaning that it does not change the encoded amino acid sequence of the DNAJC17 protein. RNA analysis indicates that this variant induces altered splicing and likely results in a shortened protein product. This variant is present in population databases (rs750145696, gnomAD 0.03%). This variant has been observed in individual(s) with retinitis pigmentosa (PMID: 26355662, 31130284). Variants that disrupt the consensus splice site are a relatively common cause of aberrant splicing (PMID: 17576681, 9536098). Studies have shown that this variant results in skipping of exon 9, but is expected to preserve the integrity of the reading-frame (PMID: 26355662). In summary, the available evidence is currently insufficient to determine the role of this variant in disease. Therefore, it has been classified as a Variant of Uncertain Significance.

Literature cited by the submitters: PubMed 26355662 (cited by Labcorp Genetics (formerly Invitae), Labcorp); PubMed 31130284 (cited by Labcorp Genetics (formerly Invitae), Labcorp); PubMed 17576681 (cited by Labcorp Genetics (formerly Invitae), Labcorp); PubMed 9536098 (cited by Labcorp Genetics (formerly Invitae), Labcorp).

NM_018163.3(DNAJC17):c.681G>A (p.Ala227=)

Gene: DNAJC17 (DnaJ heat shock protein family (Hsp40) member C17; minus strand). Cytogenetic location: 15q15.1.
Variant type: single nucleotide variant.
Coding change: c.681G>A on transcript NM_018163.3 (MANE Select); coding-DNA position 681, G replaced by A.
Protein change: p.Ala227=; no amino-acid change (alanine 227 retained).
Molecular consequence: synonymous variant.
Genome position (GRCh38, 1-based): chr15:40,774,356, C>T on the plus strand (G>A on the coding strand, the complement: DNAJC17 is on the minus strand). VCF-style: chr15-40774356-C-T. GRCh37 (hg19) VCF-style: chr15-41066554-C-T.
Identifiers: ClinVar variation 1440675 (VCV001440675.7), dbSNP rs750145696, ClinGen allele CA7485057.